The following is an entry in ClinVar:

NM_001849.4(COL6A2):c.2995G>C (p.Glu999Gln)

Gene: COL6A2 (collagen type VI alpha 2 chain; plus strand). Cytogenetic location: 21q22.3.
Variant type: single nucleotide variant.
Coding change: c.2995G>C on transcript NM_001849.4 (MANE Select); coding-DNA position 2995, G replaced by C.
Protein change: p.Glu999Gln; replaces glutamic acid 999 with glutamine.
Molecular consequence: missense variant.
Genome position (GRCh38, 1-based): chr21:46,132,487, G>C. VCF-style: chr21-46132487-G-C. GRCh37 (hg19) VCF-style: chr21-47552401-G-C.
Other names: short protein forms E999Q.
Identifiers: ClinVar variation 4780620 (VCV004780620.1).

ClinVar aggregate classification (germline): Uncertain significance (1 of 4 stars; one submission).

Conditions:
Bethlem myopathy 1A. Also called: Bethlem myopathy 1; Bethlem Muscular Dystrophy; MYOPATHY, BENIGN CONGENITAL, WITH CONTRACTURES. Identifiers: Orphanet 610, MedGen CN029274, MONDO:0024530, OMIM 158810.

Submission:

Labcorp Genetics (formerly Invitae), Labcorp
Classification: Uncertain significance for Bethlem myopathy 1A. Last evaluated: 2025-08-18. Review status: criteria provided, single submitter. Criteria: Invitae Variant Classification Sherloc (09022015). Collection method: clinical testing. Allele origin: germline.
Comment: This sequence change replaces glutamic acid, which is acidic and polar, with glutamine, which is neutral and polar, at codon 999 of the COL6A2 protein (p.Glu999Gln). This variant is not present in population databases (gnomAD no frequency). This variant has not been reported in the literature in individuals affected with COL6A2-related conditions. Invitae Evidence Modeling of protein sequence and biophysical properties (such as structural, functional, and spatial information, amino acid conservation, physicochemical variation, residue mobility, and thermodynamic stability) indicates that this missense variant is not expected to disrupt COL6A2 protein function with a negative predictive value of 80%. In summary, the available evidence is currently insufficient to determine the role of this variant in disease. Therefore, it has been classified as a Variant of Uncertain Significance.